The following is an entry in ClinVar:

NM_001376256.1(CRYM):c.166del (p.Arg56fs)

Genes: CRYM (crystallin mu; minus strand), LOC130058620 (ATAC-STARR-seq lymphoblastoid active region 10553; plus strand). Cytogenetic location: 16p12.2.
Variant type: Deletion.
Coding change: c.166del on transcript NM_001376256.1 (MANE Select); coding-DNA position 166, one base deleted (A; older notation c.166delA).
Protein change: p.Arg56fs; shifts the reading frame from arginine 56.
Molecular consequence: frameshift variant.
Genome position (GRCh38, 1-based): chr16:21,278,086, T deleted on the plus strand (A on the coding strand, the reverse complement: CRYM is on the minus strand). VCF-style (leftmost placement, unchanged base first): chr16-21278085-CT-C. GRCh37 (hg19) VCF-style: chr16-21289406-CT-C.
Other names: c.166del, p.Arg56fs (NM_001888.5); c.166delA (NM_001888.5); short protein forms R56fs.
Identifiers: ClinVar variation 3336045 (VCV003336045.1).

ClinVar aggregate classification (germline): Uncertain significance (1 of 4 stars; one submission).

Submission:

Women's Health and Genetics/Laboratory Corporation of America, LabCorp
Classification: Uncertain significance. Last evaluated: 2024-05-10. Review status: criteria provided, single submitter. Criteria: LabCorp Variant Classification Summary - May 2015. Collection method: clinical testing. Allele origin: germline.
Comment: Variant summary: CRYM c.166delA (p.Arg56GlyfsX17) results in a premature termination codon, predicted to cause absence of the protein due to nonsense mediated decay, however the molecular mechanism of disease attributed to CRYM is currently unknown. The variant was absent in 181244 control chromosomes. The available data on variant occurrences in the general population are insufficient to allow any conclusion about variant significance. To our knowledge, no occurrence of c.166delA in individuals affected with Autosomal Dominant Nonsyndromic Hearing Loss 40 and no experimental evidence demonstrating its impact on protein function have been reported. No submitters have cited clinical-significance assessments for this variant to ClinVar. Based on the evidence outlined above, the variant was classified as uncertain significance.